The following is an entry in ClinVar:

NM_000289.6(PFKM):c.1459A>T (p.Lys487Ter)

Gene: PFKM (phosphofructokinase, muscle; plus strand). Cytogenetic location: 12q13.11.
Variant type: single nucleotide variant.
Coding change: c.1459A>T on transcript NM_000289.6 (MANE Select); coding-DNA position 1459, A replaced by T.
Protein change: p.Lys487Ter; replaces lysine 487 with a stop codon.
Molecular consequence: nonsense. On other transcripts: non-coding transcript variant (6).
Genome position (GRCh38, 1-based): chr12:48,141,786, A>T. VCF-style: chr12-48141786-A-T. GRCh37 (hg19) VCF-style: chr12-48535569-A-T.
Other names: c.1672A>T, p.Lys558Ter (NM_001166686.2, NM_001354737.1, NM_001354738.1 and 1 more transcripts); c.1459A>T, p.Lys487Ter (NM_001166687.2, NM_001166688.2, NM_001354742.2 and 2 more transcripts); c.1768A>T, p.Lys590Ter (NM_001354735.1, NM_001354736.1); c.1603A>T, p.Lys535Ter (NM_001354740.1); c.1483A>T, p.Lys495Ter (NM_001354741.2); c.1372A>T, p.Lys458Ter (NM_001354745.2); c.1333A>T, p.Lys445Ter (NM_001354746.2); c.1309A>T, p.Lys437Ter (NM_001354747.2, NM_001354748.2); and 1 more; short protein forms K437*, K445*, K456*, K458*, K487*, K495*, K535*, K558*.
Identifiers: ClinVar variation 1724332 (VCV001724332.2), dbSNP rs2498573323, ClinGen allele CA384551862.

ClinVar aggregate classification (germline): Likely pathogenic (1 of 4 stars; one submission).

Conditions:
Glycogen storage disease, type VII (GSD7). Also called: GSD VII; MUSCLE PHOSPHOFRUCTOKINASE DEFICIENCY; PFKM DEFICIENCY; TARUI DISEASE. Identifiers: Orphanet 371, MedGen C0017926, MONDO:0009295, OMIM 232800.

Submission:

Myriad Genetics, Inc.
Classification: Likely pathogenic for Glycogen storage disease, type VII. Last evaluated: 2022-02-05. Review status: criteria provided, single submitter. Criteria: Myriad Women's Health Autosomal Recessive and X-Linked Classification Criteria (2021). Collection method: clinical testing. Allele origin: unknown.
Comment: NM_001166686.1(PFKM):c.1672A>T(K558*) is expected to be pathogenic in the context of glycogen storage disease type VII. This variant is predicted to lead to an abnormal or absent protein product due to the creation of a premature termination codon in PFKM, a gene where loss-of-function variants are known to be pathogenic. Please note: this variant was assessed in the context of healthy population screening.